The following is an entry in ClinVar:

ClinVar aggregate classification (germline): Uncertain significance (1 of 4 stars; one submission).

gnomAD v4.1: 2 of 1,569,314 alleles (0.00013%); highest among the groups gnomAD compares: Non-Finnish European, 0.00017%; no homozygotes.

Submission:

Labcorp Genetics (formerly Invitae), Labcorp
Classification: Uncertain significance. Last evaluated: 2025-07-24. Review status: criteria provided, single submitter. Criteria: Invitae Variant Classification Sherloc (09022015). Collection method: clinical testing. Allele origin: germline.
Comment: This sequence change replaces threonine, which is neutral and polar, with isoleucine, which is neutral and non-polar, at codon 55 of the CD164 protein (p.Thr55Ile). This variant is not present in population databases (gnomAD no frequency). This variant has not been reported in the literature in individuals affected with CD164-related conditions. An algorithm developed to predict the effect of missense changes on protein structure and function outputs the following: PolyPhen-2: "Probably Damaging". The isoleucine amino acid residue is found in multiple mammalian species, which suggests that this missense change does not adversely affect protein function. In summary, the available evidence is currently insufficient to determine the role of this variant in disease. Therefore, it has been classified as a Variant of Uncertain Significance.

NM_006016.6(CD164):c.164C>T (p.Thr55Ile)

Gene: CD164 (CD164 molecule; minus strand). Cytogenetic location: 6q21.
Variant type: single nucleotide variant.
Coding change: c.164C>T on transcript NM_006016.6 (MANE Select); coding-DNA position 164, C replaced by T.
Protein change: p.Thr55Ile; replaces threonine 55 with isoleucine.
Molecular consequence: missense variant.
Genome position (GRCh38, 1-based): chr6:109,382,215, G>A on the plus strand (C>T on the coding strand, the complement: CD164 is on the minus strand). VCF-style: chr6-109382215-G-A. GRCh37 (hg19) VCF-style: chr6-109703418-G-A.
Other names: c.164C>T, p.Thr55Ile (NM_001142401.3, NM_001142402.3, NM_001142403.3 and 1 more transcripts); short protein forms T55I.
Identifiers: ClinVar variation 4696268 (VCV004696268.1).